The following is an entry in ClinVar:

NM_170606.3(KMT2C):c.5275C>A (p.Gln1759Lys)

Gene: KMT2C (lysine methyltransferase 2C; minus strand). Cytogenetic location: 7q36.1.
Variant type: single nucleotide variant.
Coding change: c.5275C>A on transcript NM_170606.3 (MANE Select); coding-DNA position 5275, C replaced by A.
Protein change: p.Gln1759Lys; replaces glutamine 1759 with lysine.
Molecular consequence: missense variant.
Genome position (GRCh38, 1-based): chr7:152,182,585, G>T on the plus strand (C>A on the coding strand, the complement: KMT2C is on the minus strand). VCF-style: chr7-152182585-G-T. GRCh37 (hg19) VCF-style: chr7-151879670-G-T.
Other names: short protein forms Q1759K.
Identifiers: ClinVar variation 3764327 (VCV003764327.1).

ClinVar aggregate classification (germline): Uncertain significance (1 of 4 stars; one submission).

Submission:

GeneDx
Classification: Uncertain significance. Last evaluated: 2024-08-19. Review status: criteria provided, single submitter. Criteria: GeneDx Variant Classification Process June 2021. Collection method: clinical testing. Allele origin: germline. Affected: yes.
Comment: Not observed at significant frequency in large population cohorts (gnomAD); In silico analysis indicates that this missense variant does not alter protein structure/function; Has not been previously published as pathogenic or benign to our knowledge